The following is an entry in ClinVar:

ClinVar aggregate classification (germline): Uncertain significance (1 of 4 stars; one submission).

gnomAD v4.1: 11 of 1,613,962 alleles (0.00068%); highest among the groups gnomAD compares: African/African-American, 0.012%; no homozygotes.

Submission:

GeneDx
Classification: Uncertain significance. Last evaluated: 2024-04-23. Review status: criteria provided, single submitter. Criteria: GeneDx Variant Classification Process June 2021. Collection method: clinical testing. Allele origin: germline. Affected: yes.
Comment: Not observed at significant frequency in large population cohorts (gnomAD); In silico analysis supports that this missense variant has a deleterious effect on protein structure/function; Has not been previously published as pathogenic or benign to our knowledge

NM_018060.4(IARS2):c.2977T>C (p.Tyr993His)

Gene: IARS2 (isoleucyl-tRNA synthetase 2, mitochondrial; plus strand). Cytogenetic location: 1q41.
Variant type: single nucleotide variant.
Coding change: c.2977T>C on transcript NM_018060.4 (MANE Select); coding-DNA position 2977, T replaced by C.
Protein change: p.Tyr993His; replaces tyrosine 993 with histidine.
Molecular consequence: missense variant.
Genome position (GRCh38, 1-based): chr1:220,147,573, T>C. VCF-style: chr1-220147573-T-C. GRCh37 (hg19) VCF-style: chr1-220320915-T-C.
Other names: short protein forms Y993H.
Identifiers: ClinVar variation 3372875 (VCV003372875.1).